The following is an entry in ClinVar:

NM_001614.5(ACTG1):c.531T>C (p.Arg177=)

Gene: ACTG1 (actin gamma 1; minus strand). Cytogenetic location: 17q25.3.
Variant type: single nucleotide variant.
Coding change: c.531T>C on transcript NM_001614.5 (MANE Select); coding-DNA position 531, T replaced by C.
Protein change: p.Arg177=; no amino-acid change (arginine 177 retained).
Molecular consequence: synonymous variant. On other transcripts: non-coding transcript variant (1).
Genome position (GRCh38, 1-based): chr17:81,511,459, A>G on the plus strand (T>C on the coding strand, the complement: ACTG1 is on the minus strand). VCF-style: chr17-81511459-A-G. GRCh37 (hg19) VCF-style: chr17-79478485-A-G.
Other names: c.531T>C, p.Arg177= (NM_001199954.3).
Identifiers: ClinVar variation 44149 (VCV000044149.44), dbSNP rs143851458, ClinGen allele CA133676.
Genomic context (GRCh38, chr17:81,511,459, plus strand): 5'-GCCTCGCTCAGTGAGGATCTTCATGAGGTAGTCGGTCAGGTCCCGGCCAGCCAGGTCCAG[A>G]CGCAGGATGGCGTGGGGGAGGGCGTAGCCCTCGTAGATGGGCACCGTGTGGGTGACCCCG-3'
Protein context (NP_001605.1, residues 167-187): EGYALPHAIL[Arg177=]LDLAGRDLTD

ClinVar aggregate classification (germline): Benign/Likely benign. Review status: criteria provided, multiple submitters, no conflicts (2 of 4 stars). 9 submissions from 8 submitters: Benign (4); Likely benign (5). Last evaluated 2026-01-14.

Conditions:
Baraitser-winter syndrome 2. Identifiers: Orphanet 2995, MedGen C3281235, MONDO:0013812, OMIM 614583.
Autosomal dominant nonsyndromic hearing loss 20. Identifiers: Orphanet 90635, MedGen C1858172, MONDO:0011480, OMIM 604717.

Allele frequency attached by ClinVar (database versions not stated): 1000 Genomes Project 0.00040; 1000 Genomes Project 30x 0.00047; gnomAD exomes 0.00085 and 0.00157; ExAC 0.00091; gnomAD 0.00105 and 0.00106; TOPMed 0.00113; ESP Exome Variant Server 0.00169.
gnomAD v4.1: 2,442 of 1,613,908 alleles (0.15%); highest among the groups gnomAD compares: Middle Eastern, 0.25%; 3 homozygotes.

Submissions (9):

Labcorp Genetics (formerly Invitae), Labcorp
Classification: Benign for Baraitser-winter syndrome 2; Autosomal dominant nonsyndromic hearing loss 20. Last evaluated: 2026-01-14. Review status: criteria provided, single submitter. Criteria: Invitae Variant Classification Sherloc (09022015). Collection method: clinical testing. Allele origin: germline.

CeGaT Center for Human Genetics Tuebingen
Classification: Likely benign. Last evaluated: 2025-11-01. Review status: criteria provided, single submitter. Criteria: CeGaT Center For Human Genetics Tuebingen Variant Classification Criteria Version 2. Collection method: clinical testing. Allele origin: germline. Affected: yes. Observed: 14 variant alleles.
Comment: ACTG1: BP4, BP7

Blueprint Genetics
Classification: Likely benign. Last evaluated: 2024-11-19. Review status: criteria provided, single submitter. Criteria: ACMG Guidelines, 2015. Collection method: clinical testing. Allele origin: germline.

Genome-Nilou Lab
Classification: Benign for Baraitser-winter syndrome 2. Last evaluated: 2021-12-05. Review status: criteria provided, single submitter. Criteria: ACMG Guidelines, 2015. Collection method: clinical testing. Allele origin: germline. Affected: no.

Genome-Nilou Lab
Classification: Benign for Autosomal dominant nonsyndromic hearing loss 20. Last evaluated: 2021-12-05. Review status: criteria provided, single submitter. Criteria: ACMG Guidelines, 2015. Collection method: clinical testing. Allele origin: germline. Affected: no.

Genetic Services Laboratory, University of Chicago
Classification: Likely benign. Last evaluated: 2017-05-10. Review status: criteria provided, single submitter. Criteria: ACMG Guidelines, 2015. Collection method: clinical testing. Allele origin: germline. Affected: no.

GeneDx
Classification: Benign. Last evaluated: 2016-09-27. Review status: criteria provided, single submitter. Criteria: GeneDx Variant Classification (06012015). Collection method: clinical testing. Allele origin: germline. Affected: yes.
Comment: This variant is considered likely benign or benign based on one or more of the following criteria: it is a conservative change, it occurs at a poorly conserved position in the protein, it is predicted to be benign by multiple in silico algorithms, and/or has population frequency not consistent with disease.

Laboratory for Molecular Medicine, Mass General Brigham Personalized Medicine
Classification: Likely benign. Last evaluated: 2015-05-12. Review status: criteria provided, single submitter. Criteria: LMM Criteria. Collection method: clinical testing. Allele origin: germline. Observed: 5 variant alleles.
Comment: p.Arg177Arg in exon 04 of ACTG1: This variant is not expected to have clinical s ignificance because it does not alter an amino acid residue, is not located with in the splice consensus sequence, and has been identified in 0.1% (95/65398) of European chromosomes by the Exome Aggregation Consortium (ExAC; dbSNP rs143851458).

Breakthrough Genomics
Classification: Likely benign. Review status: criteria provided, single submitter. Criteria: ACMG Guidelines, 2015. Collection method: not provided. Allele origin: germline. Inheritance: Autosomal dominant inheritance. Affected: yes.